The following is an entry in ClinVar:

NM_176869.3(PPA2):c.145C>T (p.Arg49Cys)

Gene: PPA2 (inorganic pyrophosphatase 2; minus strand). Cytogenetic location: 4q24.
Variant type: single nucleotide variant.
Coding change: c.145C>T on transcript NM_176869.3 (MANE Select); coding-DNA position 145, C replaced by T.
Protein change: p.Arg49Cys; replaces arginine 49 with cysteine.
Molecular consequence: missense variant.
Genome position (GRCh38, 1-based): chr4:105,473,906, G>A on the plus strand (C>T on the coding strand, the complement: PPA2 is on the minus strand). VCF-style: chr4-105473906-G-A. GRCh37 (hg19) VCF-style: chr4-106395063-G-A.
Other names: c.145C>T, p.Arg49Cys (NM_006903.4, NM_176866.2, NM_176867.3); short protein forms R49C.
Identifiers: ClinVar variation 1435415 (VCV001435415.3), dbSNP rs142379853, ClinGen allele CA103372955.

ClinVar aggregate classification (germline): Uncertain significance (1 of 4 stars; one submission).

Allele frequency attached by ClinVar (database versions not stated): gnomAD exomes below 0.00001; gnomAD 0.00001; TOPMed 0.00001; ESP Exome Variant Server 0.00008.
gnomAD v4.1: 2 of 1,600,492 alleles (0.00012%); highest among the groups gnomAD compares: Non-Finnish European, 0.00017%; no homozygotes.

Submission:

Labcorp Genetics (formerly Invitae), Labcorp
Classification: Uncertain significance. Last evaluated: 2021-10-08. Review status: criteria provided, single submitter. Criteria: Invitae Variant Classification Sherloc (09022015). Collection method: clinical testing. Allele origin: germline.
Comment: This sequence change replaces arginine with cysteine at codon 49 of the PPA2 protein (p.Arg49Cys). The arginine residue is moderately conserved and there is a large physicochemical difference between arginine and cysteine. This variant is not present in population databases (ExAC no frequency). This variant has not been reported in the literature in individuals affected with PPA2-related conditions. Algorithms developed to predict the effect of missense changes on protein structure and function are either unavailable or do not agree on the potential impact of this missense change (SIFT: "Deleterious"; PolyPhen-2: "Benign"; Align-GVGD: "Class C15"). In summary, the available evidence is currently insufficient to determine the role of this variant in disease. Therefore, it has been classified as a Variant of Uncertain Significance.